The following is an entry in ClinVar:

ClinVar aggregate classification (germline): Conflicting classifications of pathogenicity. Review status: criteria provided, conflicting classifications (1 of 4 stars). 7 submissions from 7 submitters: Uncertain significance (5); Likely benign (1). 1 of the submissions does not count toward it. Last evaluated 2026-01-31.

Conditions:
Inborn genetic diseases. Identifiers: MedGen C0950123, MeSH D030342.
SMPD1-related disorder. Also called: SMPD1-related condition.
Niemann-Pick disease, type B. Also called: Chronic Visceral ASMD (Niemann-Pick Disease Type B; NPD-B). Identifiers: Orphanet 77293, MedGen C0268243, MONDO:0011871, OMIM 607616. Disease mechanism: loss of function.
Niemann-Pick disease, type A. Also called: SPHINGOMYELIN LIPIDOSIS; SPHINGOMYELINASE DEFICIENCY; Infantile Neurovisceral ASMD (Niemann-Pick Disease Type A; NPD-A). Identifiers: Orphanet 77292, MedGen C0268242, MONDO:0009756, OMIM 257200. Disease mechanism: loss of function.

Allele frequency attached by ClinVar (database versions not stated): gnomAD exomes 0.00005 and 0.00009; ExAC 0.00009; TOPMed 0.00028; gnomAD 0.00033 and 0.00034; ESP Exome Variant Server 0.00062; 1000 Genomes Project 30x 0.00078; 1000 Genomes Project 0.00080.

Submissions (7):

Labcorp Genetics (formerly Invitae), Labcorp
Classification: Likely benign for Niemann-Pick disease, type B; Niemann-Pick disease, type A. Last evaluated: 2026-01-31. Review status: criteria provided, single submitter. Criteria: Invitae Variant Classification Sherloc (09022015). Collection method: clinical testing. Allele origin: germline.

GeneDx
Classification: Uncertain significance. Last evaluated: 2025-10-15. Review status: criteria provided, single submitter. Criteria: GeneDx Variant Classification Process June 2021. Collection method: clinical testing. Allele origin: germline. Affected: yes.
Comment: In silico analysis supports that this missense variant has a deleterious effect on protein structure/function; Has not been previously published as pathogenic or benign to our knowledge; This variant is associated with the following publications: (PMID: Scrima2023[preprint])

Blueprint Genetics
Classification: Uncertain significance. Last evaluated: 2024-02-20. Review status: criteria provided, single submitter. Criteria: ACMG Guidelines, 2015. Collection method: clinical testing. Allele origin: germline.

Mayo Clinic Laboratories, Mayo Clinic
Classification: Uncertain significance. Last evaluated: 2024-01-12. Review status: criteria provided, single submitter. Criteria: ACMG Guidelines, 2015. Collection method: clinical testing. Allele origin: germline. Observed: 1 variant allele.

Ambry Genetics
Classification: Uncertain significance for Inborn genetic diseases. Last evaluated: 2021-06-14. Review status: criteria provided, single submitter. Criteria: Ambry Variant Classification Scheme 2023. Collection method: clinical testing. Allele origin: germline.
Comment: The p.R113C variant (also known as c.337C>T), located in coding exon 2 of the SMPD1 gene, results from a C to T substitution at nucleotide position 337. The arginine at codon 113 is replaced by cysteine, an amino acid with highly dissimilar properties. This amino acid position is conserved. In addition, the in silico prediction for this alteration is inconclusive. Since supporting evidence is limited at this time, the clinical significance of this alteration remains unclear.

Eurofins Ntd Llc (ga)
Classification: Uncertain significance. Last evaluated: 2018-01-26. Review status: criteria provided, single submitter. Criteria: EGL Classification Definitions 2015. Collection method: clinical testing. Allele origin: germline. Observed: 5 variant alleles, 5 heterozygotes.

PreventionGenetics, part of Exact Sciences
Classification: Likely benign for SMPD1-related condition. Last evaluated: 2024-02-27. Review status: no assertion criteria provided. Collection method: clinical testing. Allele origin: germline. Not counted in ClinVar's aggregate classification.
Comment: This variant is classified as likely benign based on ACMG/AMP sequence variant interpretation guidelines (Richards et al. 2015 PMID: 25741868, with internal and published modifications).

NM_000543.5(SMPD1):c.337C>T (p.Arg113Cys)

Gene: SMPD1 (sphingomyelin phosphodiesterase 1; plus strand). Cytogenetic location: 11p15.4.
Variant type: single nucleotide variant.
Coding change: c.337C>T on transcript NM_000543.5 (MANE Select); coding-DNA position 337, C replaced by T.
Protein change: p.Arg113Cys; replaces arginine 113 with cysteine.
Molecular consequence: missense variant. On other transcripts: 5 prime UTR variant (1), non-coding transcript variant (2).
Genome position (GRCh38, 1-based): chr11:6,391,402, C>T. VCF-style: chr11-6391402-C-T. GRCh37 (hg19) VCF-style: chr11-6412632-C-T.
Other names: p.Arg113Cys; c.334C>T, p.Arg112Cys (NM_001007593.3); c.337C>T, p.Arg113Cys (NM_001318087.2, NM_001365135.2); c.-625C>T (NM_001318088.2); short protein forms R113C, R112C.
Identifiers: ClinVar variation 593055 (VCV000593055.22), dbSNP rs140202512, ClinGen allele CA5852581.
Genomic context (GRCh38, chr11:6,391,402, plus strand): 5'-GCTCTGCCTCTGATTTCTCACCATGCGCTCCTCCCACTGCAGAAGGAACCCAATGTGGCT[C>T]GCGTGGGCTCCGTGGCCATCAAGCTGTGCAATCTGCTGAAGATAGCACCACCTGCCGTGT-3'
Protein context (NP_000534.3, residues 103-123): LGLKKEPNVA[Arg113Cys]VGSVAIKLCN